The following is an entry in ClinVar:

NM_001083961.2(WDR62):c.1233+1del

Gene: WDR62 (WD repeat domain 62; plus strand). Cytogenetic location: 19q13.12.
Variant type: Deletion.
Coding change: c.1233+1del on transcript NM_001083961.2 (MANE Select); the canonical splice donor site of the intron after coding-DNA position 1233, one base deleted (G; older notation c.1233+1delG).
Molecular consequence: splice donor variant. On other transcripts: intron variant (1).
Genome position (GRCh38, 1-based): chr19:36,073,532, G deleted; the last of 2 consecutive G bases (chr19:36,073,531-36,073,532); deleting either gives the same sequence. VCF-style (leftmost placement, unchanged base first): chr19-36073530-AG-A. GRCh37 (hg19) VCF-style: chr19-36564432-AG-A.
Other names: c.1233+1del (NM_173636.5, NM_001411146.1); c.1218+1del (NM_001411145.1); c.882+5522del (NM_001411147.1).
Identifiers: ClinVar variation 4850458 (VCV004850458.1).

ClinVar aggregate classification (germline): Likely pathogenic (1 of 4 stars; one submission).

Conditions:
Microcephaly 2, primary, autosomal recessive, with or without cortical malformations. Also called: MICROCEPHALY 2, PRIMARY, AUTOSOMAL RECESSIVE, WITH CORTICAL MALFORMATIONS; WDR62 Primary Microcephaly. Identifiers: Orphanet 2512, MedGen C1858535, MONDO:0011435, OMIM 604317.

Submission:

First Genomix Gene Laboratory, Genetic Diagnostics Department
Classification: Likely pathogenic for Microcephaly 2, primary, autosomal recessive, with or without cortical malformations. Last evaluated: 2025-09-24. Review status: criteria provided, single submitter. Criteria: ACMG Guidelines, 2015. Collection method: clinical testing. Allele origin: germline. Inheritance: Autosomal recessive inheritance. Affected: no. Observed: 1 variant allele.